The following is an entry in ClinVar:

ClinVar aggregate classification (germline): Uncertain significance (1 of 4 stars; one submission).

Allele frequency attached by ClinVar (database versions not stated): TOPMed below 0.00001; gnomAD 0.00001.
gnomAD v4.1: 2 of 1,613,954 alleles (0.00012%); highest among the groups gnomAD compares: African/African-American, 0.0027%; no homozygotes.

Submission:

Labcorp Genetics (formerly Invitae), Labcorp
Classification: Uncertain significance. Last evaluated: 2022-04-22. Review status: criteria provided, single submitter. Criteria: Invitae Variant Classification Sherloc (09022015). Collection method: clinical testing. Allele origin: germline.
Comment: This sequence change replaces phenylalanine, which is neutral and non-polar, with serine, which is neutral and polar, at codon 4117 of the USH2A protein (p.Phe4117Ser). This variant is not present in population databases (gnomAD no frequency). This variant has not been reported in the literature in individuals affected with USH2A-related conditions. Algorithms developed to predict the effect of missense changes on protein structure and function (SIFT, PolyPhen-2, Align-GVGD) all suggest that this variant is likely to be disruptive. In summary, the available evidence is currently insufficient to determine the role of this variant in disease. Therefore, it has been classified as a Variant of Uncertain Significance.

NM_206933.4(USH2A):c.12350T>C (p.Phe4117Ser)

Gene: USH2A (usherin; minus strand). Cytogenetic location: 1q41.
Variant type: single nucleotide variant.
Coding change: c.12350T>C on transcript NM_206933.4 (MANE Select); coding-DNA position 12350, T replaced by C.
Protein change: p.Phe4117Ser; replaces phenylalanine 4117 with serine.
Molecular consequence: missense variant.
Genome position (GRCh38, 1-based): chr1:215,675,561, A>G on the plus strand (T>C on the coding strand, the complement: USH2A is on the minus strand). VCF-style: chr1-215675561-A-G. GRCh37 (hg19) VCF-style: chr1-215848903-A-G.
Other names: short protein forms F4117S.
Identifiers: ClinVar variation 1915989 (VCV001915989.2), dbSNP rs1657995337, ClinGen allele CA344851186.